The following is an entry in ClinVar:

NM_004055.5(CAPN5):c.1622TCA[1] (p.Ile542del)

Gene: CAPN5 (calpain 5; plus strand). Cytogenetic location: 11q13.5.
Variant type: Microsatellite.
Coding change: c.1622TCA[1] on transcript NM_004055.5 (MANE Select); one copy of the 3-base unit TCA starting at c.1622; the reference has two copies in a row; one copy, 3 bases deleted.
Protein change: p.Ile542del; deletes isoleucine 542.
Molecular consequence: inframe deletion. On other transcripts: inframe indel (3).
Genome position (GRCh38, 1-based): chr11:77,122,597-77,122,599, TCA deleted; deleting any 3 consecutive bases within chr11:77,122,593-77,122,599 gives the same sequence; the position shown is the placement nearest the transcript's 3' end. VCF-style (leftmost placement, unchanged base first): chr11-77122592-GATC-G. GRCh37 (hg19) VCF-style: chr11-76833638-GATC-G.
Other names: c.1622_1624TCA[1], p.Ile542del (NM_001425322.1); c.1490_1492TCA[1], p.Ile498del (NM_001425323.1); c.1742_1744TCA[1], p.Ile582del (NM_001425321.1); short protein forms I498del, I542del, I582del.
Identifiers: ClinVar variation 2764111 (VCV002764111.3), dbSNP rs2496314581, ClinGen allele CA2574930497.

ClinVar aggregate classification (germline): Uncertain significance (1 of 4 stars; one submission).

Submission:

Labcorp Genetics (formerly Invitae), Labcorp
Classification: Uncertain significance. Last evaluated: 2023-11-07. Review status: criteria provided, single submitter. Criteria: Invitae Variant Classification Sherloc (09022015). Collection method: clinical testing. Allele origin: germline.
Comment: This variant, c.1625_1627del, results in the deletion of 1 amino acid(s) of the CAPN5 protein (p.Ile542del), but otherwise preserves the integrity of the reading frame. This variant is not present in population databases (gnomAD no frequency). This variant has not been reported in the literature in individuals affected with CAPN5-related conditions. Experimental studies and prediction algorithms are not available or were not evaluated, and the functional significance of this variant is currently unknown. In summary, the available evidence is currently insufficient to determine the role of this variant in disease. Therefore, it has been classified as a Variant of Uncertain Significance.